The following is an entry in ClinVar:

ClinVar aggregate classification (germline): Benign/Likely benign. Review status: criteria provided, multiple submitters, no conflicts (2 of 4 stars). 3 submissions from 3 submitters: Benign (1); Likely benign (2). Last evaluated 2024-12-19.

Conditions:
Hereditary cancer-predisposing syndrome. Also called: Hereditary Cancer Syndrome; Neoplastic Syndromes, Hereditary; Hereditary neoplastic syndrome; Tumor predisposition. Identifiers: Orphanet 140162, MedGen C0027672, MeSH D009386, MONDO:0015356.
Hereditary nonpolyposis colorectal neoplasms. Identifiers: MedGen C0009405, MeSH D003123.
Lynch syndrome 5 (LYNCH5). Also called: Colorectal cancer, hereditary nonpolyposis, type 5; Hereditary non-polyposis colorectal cancer, type 5. Identifiers: Orphanet 144, MedGen C1833477, MONDO:0013710, OMIM 614350. Disease mechanism: loss of function.

Allele frequency attached by ClinVar (database versions not stated): gnomAD exomes below 0.00001.
gnomAD v4.1: 1 of 1,614,136 alleles (0.000062%); highest among the groups gnomAD compares: Non-Finnish European, 0.000085%; no homozygotes.

Submissions (3):

Myriad Genetics, Inc.
Classification: Benign for Lynch syndrome 5. Last evaluated: 2024-12-19. Review status: criteria provided, single submitter. Criteria: Myriad Autosomal Dominant, Autosomal Recessive and X-Linked Classification Criteria (2023). Collection method: clinical testing. Allele origin: unknown.
Comment: This variant is considered benign. This variant is a silent/synonymous amino acid change and it is not expected to impact splicing.

Ambry Genetics
Classification: Likely benign for Hereditary cancer-predisposing syndrome. Last evaluated: 2021-01-28. Review status: criteria provided, single submitter. Criteria: Ambry Variant Classification Scheme 2023. Collection method: clinical testing. Allele origin: germline.

Labcorp Genetics (formerly Invitae), Labcorp
Classification: Likely benign for Hereditary nonpolyposis colorectal neoplasms. Last evaluated: 2020-06-20. Review status: criteria provided, single submitter. Criteria: Invitae Variant Classification Sherloc (09022015). Collection method: clinical testing. Allele origin: germline.

NM_000179.3(MSH6):c.570G>A (p.Arg190=)

Gene: MSH6 (mutS homolog 6; plus strand). Cytogenetic location: 2p16.3.
Variant type: single nucleotide variant.
Coding change: c.570G>A on transcript NM_000179.3 (MANE Select); coding-DNA position 570, G replaced by A.
Protein change: p.Arg190=; no amino-acid change (arginine 190 retained).
Molecular consequence: synonymous variant. On other transcripts: 5 prime UTR variant (1), intron variant (2).
Genome position (GRCh38, 1-based): chr2:47,796,006, G>A. VCF-style: chr2-47796006-G-A. GRCh37 (hg19) VCF-style: chr2-48023145-G-A.
Other names: c.-333G>A (NM_001281494.2); c.-279-2605G>A (NM_001281493.2); c.238-2605G>A (NM_001281492.2).
Identifiers: ClinVar variation 1094278 (VCV001094278.12), dbSNP rs1669064182, ClinGen allele CA425993035.